The following is an entry in ClinVar:

NM_003320.5(TUB):c.202C>T (p.Arg68Cys)

Gene: TUB (TUB bipartite transcription factor; plus strand). Cytogenetic location: 11p15.4.
Variant type: single nucleotide variant.
Coding change: c.202C>T on transcript NM_003320.5; coding-DNA position 202, C replaced by T.
Protein change: p.Arg68Cys; replaces arginine 68 with cysteine.
Molecular consequence: missense variant. On other transcripts: intron variant (4).
Genome position (GRCh38, 1-based): chr11:8,039,691, C>T. VCF-style: chr11-8039691-C-T. GRCh37 (hg19) VCF-style: chr11-8061238-C-T.
Other names: c.56+20333C>T (NM_001440538.1, NM_001440539.1, NM_001440540.1 and 1 more transcripts); short protein forms R68C.
Identifiers: ClinVar variation 1960683 (VCV001960683.5), dbSNP rs778672572, ClinGen allele CA379567346.

ClinVar aggregate classification (germline): Uncertain significance. Review status: criteria provided, single submitter (1 of 4 stars). 2 submissions from 2 submitters: Uncertain significance (1). 1 of the submissions does not count toward it. Last evaluated 2022-05-19.

Conditions:
TUB-related disorder. Also called: TUB-related condition.

Allele frequency attached by ClinVar (database versions not stated): gnomAD 0.00001; TOPMed 0.00001.

Submissions (2):

Labcorp Genetics (formerly Invitae), Labcorp
Classification: Uncertain significance. Last evaluated: 2022-05-19. Review status: criteria provided, single submitter. Criteria: Invitae Variant Classification Sherloc (09022015). Collection method: clinical testing. Allele origin: germline.
Comment: This sequence change replaces arginine, which is basic and polar, with cysteine, which is neutral and slightly polar, at codon 68 of the TUB protein (p.Arg68Cys). The frequency data for this variant in the population databases is considered unreliable, as metrics indicate poor data quality at this position in the gnomAD database. This variant has not been reported in the literature in individuals affected with TUB-related conditions. Algorithms developed to predict the effect of missense changes on protein structure and function output the following: SIFT: "Deleterious"; PolyPhen-2: "Benign"; Align-GVGD: "Class C0". The cysteine amino acid residue is found in multiple mammalian species, which suggests that this missense change does not adversely affect protein function. In summary, the available evidence is currently insufficient to determine the role of this variant in disease. Therefore, it has been classified as a Variant of Uncertain Significance.

PreventionGenetics, part of Exact Sciences
Classification: Uncertain significance for TUB-related condition. Last evaluated: 2024-02-13. Review status: no assertion criteria provided. Collection method: clinical testing. Allele origin: germline. Not counted in ClinVar's aggregate classification.
Comment: The TUB c.202C>T variant is predicted to result in the amino acid substitution p.Arg68Cys. To our knowledge, this variant has not been reported in the literature. This variant is reported in 0.0082% of alleles in individuals of East Asian descent in gnomAD. At this time, the clinical significance of this variant is uncertain due to the absence of conclusive functional and genetic evidence.